The following is an entry in ClinVar:

NM_000044.6(AR):c.171GCA[36] (p.Gln68_Gln80dup)

Genes: AR (androgen receptor; plus strand), LOC109504725 (androgen receptor repeat instability region; plus strand). Cytogenetic location: Xq12.
Variant type: Microsatellite.
Coding change: c.171GCA[36] on transcript NM_000044.6 (MANE Select); 36 copies in a row of the 3-base unit GCA starting at c.171; the reference has 23 copies in a row; 13 copies, 39 bases duplicated; also written c.201_239dup.
Protein change: p.Gln68_Gln80dup.
Molecular consequence: inframe insertion. On other transcripts: 5 prime UTR variant (1).
Genome position (GRCh38, 1-based): chrX:67,545,347-67,545,385, 39 bases duplicated; duplicating any 39 consecutive bases within chrX:67,545,317-67,545,385 gives the same sequence; the position shown is the placement nearest the transcript's 3' end. GRCh37 (hg19), VCF-style position (the base before the change): chrX:66,765,158.
Other names: c.201_239dup (NM_000044.6); c.201_239dup39 (NM_000044.3); c.172_174CAG[35] (NM_000044.3); c.-1613GCA[36] (NM_001011645.3); c.171GCA[36], p.Gln68_Gln80dup (NM_001348061.1, NM_001348063.1, NM_001348064.1).
Identifiers: ClinVar variation 417975 (VCV000417975.3), dbSNP rs3032358, ClinGen allele CA658824351.

ClinVar aggregate classification (germline): Uncertain significance. Review status: criteria provided, single submitter (1 of 4 stars). 3 submissions from 3 submitters: Uncertain significance (1). 2 of the submissions do not count toward it. Last evaluated 2021-07-15.

Conditions:
AR-related disorder. Also called: AR-related condition.
Partial androgen insensitivity syndrome (PAIS). Also called: Reifenstein syndrome; ANDROGEN INSENSITIVITY, PARTIAL, WITH OR WITHOUT BREAST CANCER; Pseudohermaphroditism, Incomplete male, type I; Reifenstein syndrome, partial; Androgen resistance syndrome, partial; Type I familial incomplete male pseudohermaphroditism. Identifiers: Orphanet 90797, MedGen C0268301, MONDO:0010720, OMIM 312300.
Kennedy disease (SMAX1). Also called: SPINAL AND BULBAR MUSCULAR ATROPHY, X-LINKED 1; KENNEDY SPINAL AND BULBAR MUSCULAR ATROPHY; Spinal and Bulbar Muscular Atrophy. Identifiers: Orphanet 481, MedGen C1839259, MONDO:0010735, OMIM 313200.
Prostate cancer. Also called: Malignant tumor of prostate. Identifiers: Orphanet 1331, MedGen C0376358, MONDO:0008315, HP:0012125.
Androgen resistance syndrome (AIS). Also called: Androgen insensitivity; ANDROGEN RECEPTOR DEFICIENCY; DIHYDROTESTOSTERONE RECEPTOR DEFICIENCY; TESTICULAR FEMINIZATION SYNDROME; Androgen insensitivity, complete; Androgen insensitivity syndrome due to coactivator deficiency. Identifiers: Orphanet 754, Orphanet 99429, MedGen C0039585, MONDO:0019154, OMIM 300068. Disease mechanism: loss of function.
Hypospadias 1, X-linked (HYSP1). Identifiers: Orphanet 440, MedGen C2678098, MONDO:0010384, OMIM 300633.

Submissions (3):

Fulgent Genetics
Classification: Uncertain significance for Familial prostate cancer; Androgen resistance syndrome; Hypospadias 1, X-linked; Partial androgen insensitivity syndrome; Kennedy disease. Last evaluated: 2021-07-15. Review status: criteria provided, single submitter. Criteria: ACMG Guidelines, 2015. Collection method: clinical testing. Allele origin: unknown.

PreventionGenetics, part of Exact Sciences
Classification: Uncertain significance for AR-related condition. Last evaluated: 2024-08-16. Review status: no assertion criteria provided. Collection method: clinical testing. Allele origin: germline. Not counted in ClinVar's aggregate classification.
Comment: The AR c.201_239dup39 variant is predicted to result in an in-frame duplication (p.Gln68_Gln80dup). To our knowledge, this variant has not been reported in the literature or in a large population database, indicating this variant is rare. At this time, the clinical significance of this variant is uncertain due to the absence of conclusive functional and genetic evidence.

GeneReviews
Classification: Uncertain significance for Kennedy disease. Last evaluated: 2017-01-26. Review status: no assertion criteria provided. Collection method: literature only. Allele origin: germline. Not counted in ClinVar's aggregate classification.